The following is an entry in ClinVar:

ClinVar aggregate classification (germline): Uncertain significance (1 of 4 stars; one submission).

Conditions:
Familial thoracic aortic aneurysm and aortic dissection (TAAD). Also called: Thoracic aortic aneurysms and dissections. Identifiers: Orphanet 91387, MedGen C4707243, MONDO:0019625.
Hereditary cancer-predisposing syndrome. Also called: Hereditary Cancer Syndrome; Hereditary neoplastic syndrome; Neoplastic Syndromes, Hereditary; Tumor predisposition. Identifiers: Orphanet 140162, MedGen C0027672, MeSH D009386, MONDO:0015356.

Submission:

Ambry Genetics
Classification: Uncertain significance for Hereditary cancer-predisposing syndrome; Familial thoracic aortic aneurysm and aortic dissection. Last evaluated: 2026-08-11. Review status: criteria provided, single submitter. Criteria: Ambry Variant Classification Scheme 2023. Collection method: clinical testing. Allele origin: germline.
Comment: The p.A60D variant (also known as c.179C>A), located in coding exon 1 of the SMAD4 gene, results from a C to A substitution at nucleotide position 179. The alanine at codon 60 is replaced by aspartic acid, an amino acid with dissimilar properties. This amino acid position is highly conserved in available vertebrate species. In addition, this alteration is predicted to be deleterious by in silico analysis. Based on the available evidence, the clinical significance of this variant remains unclear.

NM_005359.6(SMAD4):c.179C>A (p.Ala60Asp)

Gene: SMAD4 (SMAD family member 4; plus strand). Cytogenetic location: 18q21.2.
Variant type: single nucleotide variant.
Coding change: c.179C>A on transcript NM_005359.6 (MANE Select); coding-DNA position 179, C replaced by A.
Protein change: p.Ala60Asp; replaces alanine 60 with aspartic acid.
Molecular consequence: missense variant.
Genome position (GRCh38, 1-based): chr18:51,047,225, C>A. VCF-style: chr18-51047225-C-A. GRCh37 (hg19) VCF-style: chr18-48573595-C-A.
Other names: c.179C>A, p.Ala60Asp (NM_001407041.1, NM_001407042.1, NM_001407043.1); short protein forms A60D.
Identifiers: ClinVar variation 1780327 (VCV001780327.3), dbSNP rs1555685030, ClinGen allele CA402457956.